The following is an entry in ClinVar:

NM_000944.5(PPP3CA):c.86T>C (p.Leu29Pro)

Gene: PPP3CA (protein phosphatase 3 catalytic subunit alpha; minus strand). Cytogenetic location: 4q24.
Variant type: single nucleotide variant.
Coding change: c.86T>C on transcript NM_000944.5 (MANE Select); coding-DNA position 86, T replaced by C.
Protein change: p.Leu29Pro; replaces leucine 29 with proline.
Molecular consequence: missense variant.
Genome position (GRCh38, 1-based): chr4:101,196,089, A>G on the plus strand (T>C on the coding strand, the complement: PPP3CA is on the minus strand). VCF-style: chr4-101196089-A-G. GRCh37 (hg19) VCF-style: chr4-102117246-A-G.
Other names: c.86T>C, p.Leu29Pro (NM_001130691.2, NM_001130692.2); short protein forms L29P.
Identifiers: ClinVar variation 1508008 (VCV001508008.6), dbSNP rs2110190733, ClinGen allele CA357951090.

ClinVar aggregate classification (germline): Uncertain significance (1 of 4 stars; one submission).

Allele frequency attached by ClinVar (database versions not stated): gnomAD exomes below 0.00001.
gnomAD v4.1: 1 of 1,614,002 alleles (0.000062%); highest among the groups gnomAD compares: South Asian, 0.0011%; no homozygotes.

Submission:

Labcorp Genetics (formerly Invitae), Labcorp
Classification: Uncertain significance. Last evaluated: 2026-01-17. Review status: criteria provided, single submitter. Criteria: Invitae Variant Classification Sherloc (09022015). Collection method: clinical testing. Allele origin: germline.
Comment: This sequence change replaces leucine, which is neutral and non-polar, with proline, which is neutral and non-polar, at codon 29 of the PPP3CA protein (p.Leu29Pro). This variant is not present in population databases (gnomAD no frequency). This variant has not been reported in the literature in individuals affected with PPP3CA-related conditions. ClinVar contains an entry for this variant (Variation ID: 1508008). Invitae Evidence Modeling of protein sequence and biophysical properties (such as structural, functional, and spatial information, amino acid conservation, physicochemical variation, residue mobility, and thermodynamic stability) indicates that this missense variant is not expected to disrupt PPP3CA protein function with a negative predictive value of 80%. In summary, the available evidence is currently insufficient to determine the role of this variant in disease. Therefore, it has been classified as a Variant of Uncertain Significance.